The following is an entry in ClinVar:

NM_004168.4(SDHA):c.1493A>G (p.Lys498Arg)

Gene: SDHA (succinate dehydrogenase complex flavoprotein subunit A; plus strand). Cytogenetic location: 5p15.33.
Variant type: single nucleotide variant.
Coding change: c.1493A>G on transcript NM_004168.4 (MANE Select); coding-DNA position 1493, A replaced by G.
Protein change: p.Lys498Arg; replaces lysine 498 with arginine.
Molecular consequence: missense variant.
Genome position (GRCh38, 1-based): chr5:240,418, A>G. VCF-style: chr5-240418-A-G. GRCh37 (hg19) VCF-style: chr5-240533-A-G.
Other names: c.1493A>G (NM_004168.2); c.1349A>G, p.Lys450Arg (NM_001294332.2); c.1493A>G, p.Lys498Arg (NM_001330758.2); short protein forms K498R, K450R.
Identifiers: ClinVar variation 539647 (VCV000539647.14), dbSNP rs745592653, ClinGen allele CA3173264.
Genomic context (GRCh38, chr5:240,418, plus strand): 5'-GAGATAAAGTCCCTCCAATTAAACCAAACGCTGGGGAAGAATCTGTCATGAATCTTGACA[A>G]ATTGAGATTTGCTGATGGAAGCATAAGAACATCGGAACTGCGACTCAGCATGCAGAAGGT-3'
Protein context (NP_004159.2, residues 488-508): AGEESVMNLD[Lys498Arg]LRFADGSIRT

ClinVar aggregate classification (germline): Uncertain significance. Review status: criteria provided, multiple submitters, no conflicts (2 of 4 stars). 4 submissions from 4 submitters: Uncertain significance (4). Last evaluated 2026-01-13.

Conditions:
Dilated cardiomyopathy 1GG (CMD1GG). Identifiers: Orphanet 154, MedGen C3150898, MONDO:0013339, OMIM 613642.
Hereditary cancer-predisposing syndrome. Also called: Neoplastic Syndromes, Hereditary; Tumor predisposition; Hereditary neoplastic syndrome; Hereditary Cancer Syndrome. Identifiers: Orphanet 140162, MedGen C0027672, MeSH D009386, MONDO:0015356.
Mitochondrial complex II deficiency, nuclear type 1. Also called: SUCCINATE CoQ REDUCTASE DEFICIENCY. Identifiers: Orphanet 3208, MedGen C5700310, MONDO:0100294, OMIM 252011.
Pheochromocytoma/paraganglioma syndrome 5. Also called: Paragangliomas 5; SDHA-Related Hereditary Paraganglioma-Pheochromocytoma Syndrome. Identifiers: Orphanet 29072, MedGen C3279992, MONDO:0013602, OMIM 614165.

Allele frequency attached by ClinVar (database versions not stated): gnomAD exomes below 0.00001 and 0.00001; ExAC 0.00001; gnomAD 0.00002 and 0.00003; TOPMed 0.00002.
gnomAD v4.1: 24 of 1,611,484 alleles (0.0015%); highest among the groups gnomAD compares: African/African-American, 0.0027%; no homozygotes.

Submissions (4):

Labcorp Genetics (formerly Invitae), Labcorp
Classification: Uncertain significance for Pheochromocytoma/paraganglioma syndrome 5; Mitochondrial complex II deficiency, nuclear type 1. Last evaluated: 2026-01-13. Review status: criteria provided, single submitter. Criteria: Invitae Variant Classification Sherloc (09022015). Collection method: clinical testing. Allele origin: germline.
Comment: This sequence change replaces lysine, which is basic and polar, with arginine, which is basic and polar, at codon 498 of the SDHA protein (p.Lys498Arg). This variant is present in population databases (rs745592653, gnomAD 0.004%). This variant has not been reported in the literature in individuals affected with SDHA-related conditions. ClinVar contains an entry for this variant (Variation ID: 539647). Invitae Evidence Modeling of protein sequence and biophysical properties (such as structural, functional, and spatial information, amino acid conservation, physicochemical variation, residue mobility, and thermodynamic stability) indicates that this missense variant is not expected to disrupt SDHA protein function with a negative predictive value of 95%. RNA analysis performed to evaluate the impact of this missense change on mRNA splicing indicates it does not significantly alter splicing (internal data). In summary, the available evidence is currently insufficient to determine the role of this variant in disease. Therefore, it has been classified as a Variant of Uncertain Significance.

Ambry Genetics
Classification: Uncertain significance for Hereditary cancer-predisposing syndrome. Last evaluated: 2024-07-04. Review status: criteria provided, single submitter. Criteria: Ambry Variant Classification Scheme 2023. Collection method: clinical testing. Allele origin: germline.
Comment: The p.K498R variant (also known as c.1493A>G), located in coding exon 11 of the SDHA gene, results from an A to G substitution at nucleotide position 1493. The lysine at codon 498 is replaced by arginine, an amino acid with highly similar properties. This amino acid position is well conserved in available vertebrate species. In addition, this alteration is predicted to be tolerated by in silico analysis. Based on the available evidence, the clinical significance of this variant remains unclear.

Baylor Genetics
Classification: Uncertain significance for Dilated cardiomyopathy 1GG. Last evaluated: 2024-03-05. Review status: criteria provided, single submitter. Criteria: ACMG Guidelines, 2015. Collection method: clinical testing. Allele origin: unknown.

Quest Diagnostics Nichols Institute San Juan Capistrano
Classification: Uncertain significance. Last evaluated: 2022-10-22. Review status: criteria provided, single submitter. Criteria: Quest Diagnostics criteria. Collection method: clinical testing. Allele origin: unknown.
Comment: The variant has not been reported in the published literature. The frequency of this variant in the general population, 0.000011 (3/281798 chromosomes), is uninformative in assessment of its pathogenicity. Analysis of this variant using bioinformatics tools for the prediction of the effect of amino acid changes on protein structure and function yielded predictions that this variant is benign. Additional analysis using software algorithms for the prediction of the effect of nucleotide changes on SDHA mRNA splicing yielded predictions that this variant may result in the gain of a cryptic splice site without affecting the natural splice sites . Based on the available information, we are unable to determine the clinical significance of this variant.